The following is an entry in ClinVar:

ClinVar aggregate classification (germline): Conflicting classifications of pathogenicity. Review status: criteria provided, conflicting classifications (1 of 4 stars). 3 submissions from 3 submitters: Likely pathogenic (1); Uncertain significance (1). 1 of the submissions does not count toward it. Last evaluated 2025-04-01.

Conditions:
Ataxia-telangiectasia syndrome (AT). Also called: Ataxia-telangiectasia, complementation group D; AT, COMPLEMENTATION GROUP C; Ataxia telangiectasia (A-T); Cerebello-oculocutaneous telangiectasia; Immunodeficiency with ataxia telangiectasia; Ataxia-telangiectasia. Identifiers: Orphanet 100, MedGen C0004135, MONDO:0008840, OMIM 208900.
Hereditary cancer-predisposing syndrome. Also called: Neoplastic Syndromes, Hereditary; Hereditary neoplastic syndrome; Tumor predisposition; Hereditary Cancer Syndrome. Identifiers: Orphanet 140162, MedGen C0027672, MeSH D009386, MONDO:0015356.

Submissions (3):

Ambry Genetics
Classification: Likely pathogenic for Hereditary cancer-predisposing syndrome. Last evaluated: 2025-04-01. Review status: criteria provided, single submitter. Criteria: Ambry Variant Classification Scheme 2023. Collection method: clinical testing. Allele origin: germline.
Comment: The c.4776G>A variant (also known as p.E1592E), located in coding exon 30 of the ATM gene, results from a G to A substitution at nucleotide position 4776. This nucleotide substitution does not change the protein at codon 1592. However, this change occurs in the last base pair of coding exon 30, which makes it likely to have some effect on normal mRNA splicing. This nucleotide position is highly conserved in available vertebrate species. In silico splice site analysis predicts that this alteration will weaken the native splice donor site. RNA studies have demonstrated that this alteration results in abnormal splicing in the set of samples tested (Ambry internal data). Based on the majority of available evidence to date, this variant is likely to be pathogenic.

Labcorp Genetics (formerly Invitae), Labcorp
Classification: Uncertain significance for Ataxia-telangiectasia syndrome. Last evaluated: 2021-09-02. Review status: criteria provided, single submitter. Criteria: Invitae Variant Classification Sherloc (09022015). Collection method: clinical testing. Allele origin: germline.
Comment: This sequence change affects codon 1592 of the ATM mRNA. It is a 'silent' change, meaning that it does not change the encoded amino acid sequence of the ATM protein. This variant also falls at the last nucleotide of exon 31 of the ATM coding sequence, which is part of the consensus splice site for this exon. This variant is not present in population databases (ExAC no frequency). In summary, the available evidence is currently insufficient to determine the role of this variant in disease. Therefore, it has been classified as a Variant of Uncertain Significance. Nucleotide substitutions within the consensus splice site are a relatively common cause of aberrant splicing (PMID: 17576681, 9536098). Algorithms developed to predict the effect of sequence changes on RNA splicing suggest that this variant may disrupt the consensus splice site, but this prediction has not been confirmed by published transcriptional studies. This variant has not been reported in the literature in individuals with ATM-related conditions.

Natera, Inc.
Classification: Uncertain significance for Ataxia-telangiectasia. Last evaluated: 2020-09-23. Review status: no assertion criteria provided. Collection method: clinical testing. Allele origin: germline. Not counted in ClinVar's aggregate classification.

Literature cited by the submitters: PubMed 17576681 (cited by Labcorp Genetics (formerly Invitae), Labcorp); PubMed 9536098 (cited by Labcorp Genetics (formerly Invitae), Labcorp).

NM_000051.4(ATM):c.4776G>A (p.Glu1592=)

Gene: ATM (ATM serine/threonine kinase; plus strand). Cytogenetic location: 11q22.3.
Variant type: single nucleotide variant.
Coding change: c.4776G>A on transcript NM_000051.4 (MANE Select); coding-DNA position 4776, G replaced by A.
Protein change: p.Glu1592=; no amino-acid change (glutamic acid 1592 retained).
Molecular consequence: synonymous variant.
Genome position (GRCh38, 1-based): chr11:108,293,477, G>A. VCF-style: chr11-108293477-G-A. GRCh37 (hg19) VCF-style: chr11-108164204-G-A.
Other names: c.4776G>A, p.Glu1592= (NM_001351834.2).
Identifiers: ClinVar variation 843861 (VCV000843861.15), dbSNP rs786202973, ClinGen allele CA476674484.